The following is an entry in ClinVar:

NM_001330700.2(TOP2B):c.3775AAG[3] (p.Lys1262del)

Gene: TOP2B (DNA topoisomerase II beta; minus strand). Cytogenetic location: 3p24.2.
Variant type: Microsatellite.
Coding change: c.3775AAG[3] on transcript NM_001330700.2 (MANE Select); three copies in a row of the 3-base unit AAG starting at c.3775; the reference has four copies in a row; one copy, 3 bases deleted.
Protein change: p.Lys1262del; deletes lysine 1262.
Molecular consequence: inframe deletion.
Genome position (GRCh38, 1-based): chr3:25,612,515-25,612,517, CTT deleted on the plus strand (AAG on the coding strand, the reverse complement: TOP2B is on the minus strand); deleting any 3 consecutive bases within chr3:25,612,515-25,612,527 gives the same sequence; the position shown is the placement nearest the transcript's 3' end. VCF-style (leftmost placement, unchanged base first): chr3-25612514-CCTT-C. GRCh37 (hg19) VCF-style: chr3-25654005-CCTT-C.
Other names: c.3760AAG[3], p.Lys1257del (NM_001068.3); short protein forms K1257del, K1262del.
Identifiers: ClinVar variation 2966397 (VCV002966397.3), dbSNP rs868495308, ClinGen allele CA71632256.
Genomic context (GRCh38, chr3:25,612,514, plus strand): 5'-TAAATTATACATATATTTCATTATAGAAATGAGTCTATCAATGACAAGAGGTATGTCATA[CCTT>C]CTTCTTCTTCAGCAACTTTTTGCTGGCATCTGCCTTCATAGCTGTAATTTCAGGAATTAT-3'

ClinVar aggregate classification (germline): Uncertain significance (1 of 4 stars; one submission).

Submission:

Labcorp Genetics (formerly Invitae), Labcorp
Classification: Uncertain significance. Last evaluated: 2023-08-17. Review status: criteria provided, single submitter. Criteria: Invitae Variant Classification Sherloc (09022015). Collection method: clinical testing. Allele origin: germline.
Comment: In summary, the available evidence is currently insufficient to determine the role of this variant in disease. Therefore, it has been classified as a Variant of Uncertain Significance. Algorithms developed to predict the effect of sequence changes on RNA splicing suggest that this variant may disrupt the consensus splice site. Experimental studies and prediction algorithms are not available or were not evaluated, and the functional significance of this variant is currently unknown. This variant has not been reported in the literature in individuals affected with TOP2B-related conditions. The frequency data for this variant in the population databases is considered unreliable, as metrics indicate poor data quality at this position in the gnomAD database. This variant, c.3769_3771del, results in the deletion of 1 amino acid(s) of the TOP2B protein (p.Lys1257del), but otherwise preserves the integrity of the reading frame.